The following is an entry in ClinVar:

NM_005431.2(XRCC2):c.206A>G (p.Lys69Arg)

Gene: XRCC2 (X-ray repair cross complementing 2; minus strand). Cytogenetic location: 7q36.1.
Variant type: single nucleotide variant.
Coding change: c.206A>G on transcript NM_005431.2 (MANE Select); coding-DNA position 206, A replaced by G.
Protein change: p.Lys69Arg; replaces lysine 69 with arginine.
Molecular consequence: missense variant.
Genome position (GRCh38, 1-based): chr7:152,649,279, T>C on the plus strand (A>G on the coding strand, the complement: XRCC2 is on the minus strand). VCF-style: chr7-152649279-T-C. GRCh37 (hg19) VCF-style: chr7-152346364-T-C.
Other names: short protein forms K69R.
Identifiers: ClinVar variation 820644 (VCV000820644.10), dbSNP rs753457121, ClinGen allele CA4582374.

ClinVar aggregate classification (germline): Conflicting classifications of pathogenicity. Review status: criteria provided, conflicting classifications (1 of 4 stars). 2 submissions from 2 submitters: Uncertain significance (1); Likely benign (1). Last evaluated 2024-03-29.

Conditions:
Hereditary cancer-predisposing syndrome. Also called: Neoplastic Syndromes, Hereditary; Tumor predisposition; Hereditary Cancer Syndrome; Hereditary neoplastic syndrome. Identifiers: Orphanet 140162, MedGen C0027672, MeSH D009386, MONDO:0015356.

Allele frequency attached by ClinVar (database versions not stated): ExAC 0.00001; gnomAD 0.00001 and 0.00002; gnomAD exomes 0.00001; TOPMed 0.00001.
gnomAD v4.1: 10 of 1,613,700 alleles (0.00062%); highest among the groups gnomAD compares: Middle Eastern, 0.033%; 1 homozygote.

Submissions (2):

Ambry Genetics
Classification: Likely benign for Hereditary cancer-predisposing syndrome. Last evaluated: 2024-03-29. Review status: criteria provided, single submitter. Criteria: Ambry Variant Classification Scheme 2023. Collection method: clinical testing. Allele origin: germline.

Labcorp Genetics (formerly Invitae), Labcorp
Classification: Uncertain significance. Last evaluated: 2024-02-24. Review status: criteria provided, single submitter. Criteria: Invitae Variant Classification Sherloc (09022015). Collection method: clinical testing. Allele origin: germline.
Comment: This sequence change replaces lysine, which is basic and polar, with arginine, which is basic and polar, at codon 69 of the XRCC2 protein (p.Lys69Arg). This variant is present in population databases (rs753457121, gnomAD 0.002%). This variant has not been reported in the literature in individuals affected with XRCC2-related conditions. ClinVar contains an entry for this variant (Variation ID: 820644). An algorithm developed to predict the effect of missense changes on protein structure and function (PolyPhen-2) suggests that this variant is likely to be tolerated. In summary, the available evidence is currently insufficient to determine the role of this variant in disease. Therefore, it has been classified as a Variant of Uncertain Significance.